The following is an entry in ClinVar:

ClinVar aggregate classification (germline): Uncertain significance. Review status: criteria provided, multiple submitters, no conflicts (2 of 4 stars). 3 submissions from 3 submitters: Uncertain significance (3). Last evaluated 2025-07-01.

Conditions:
Upshaw-Schulman syndrome (TTP). Also called: THROMBOTIC THROMBOCYTOPENIC PURPURA, HEREDITARY; Congenital thrombotic thrombocytopenic purpura. Identifiers: Orphanet 93583, MedGen C1268935, MONDO:0010122, OMIM 274150.
Inborn genetic diseases. Identifiers: MedGen C0950123, MeSH D030342.

Allele frequency attached by ClinVar (database versions not stated): gnomAD exomes below 0.00001 and 0.00001; gnomAD 0.00002; TOPMed 0.00002.

Submissions (3):

Ambry Genetics
Classification: Uncertain significance for Inborn genetic diseases. Last evaluated: 2025-07-01. Review status: criteria provided, single submitter. Criteria: Ambry Variant Classification Scheme 2023. Collection method: clinical testing. Allele origin: germline.

Fulgent Genetics
Classification: Uncertain significance for Upshaw-Schulman syndrome. Last evaluated: 2024-01-20. Review status: criteria provided, single submitter. Criteria: ACMG Guidelines, 2015. Collection method: clinical testing. Allele origin: germline.

GeneDx
Classification: Uncertain significance. Last evaluated: 2016-04-06. Review status: criteria provided, single submitter. Criteria: GeneDx Variant Classification (06012015). Collection method: clinical testing. Allele origin: germline. Affected: yes.
Comment: The M1241T variant in the ADAMTS13 gene has not been reported previously as a pathogenic variant, nor as a benign variant, to our knowledge. This variant was not observed in approximately 6500 individuals of European and African American ancestry in the NHLBI Exome Sequencing Project, indicating it is not a common benign variant in these populations. The M1241T variant is a non-conservative amino acid substitution, which is likely to impact secondary protein structure as these residues differ in polarity, charge, size and/or other properties. However, this substitution occurs at a position that is not conserved, and in silico analysis predicts this variant likely does not alter the protein structure/function. We interpret M1241T as a variant of uncertain significance.

NM_139027.6(ADAMTS13):c.3554T>C (p.Met1185Thr)

Gene: ADAMTS13 (ADAM metallopeptidase with thrombospondin type 1 motif 13; plus strand). Cytogenetic location: 9q34.2.
Variant type: single nucleotide variant.
Coding change: c.3554T>C on transcript NM_139027.6 (MANE Select); coding-DNA position 3554, T replaced by C.
Protein change: p.Met1185Thr; replaces methionine 1185 with threonine.
Molecular consequence: missense variant. On other transcripts: non-coding transcript variant (1).
Genome position (GRCh38, 1-based): chr9:133,456,549, T>C. VCF-style: chr9-133456549-T-C. GRCh37 (hg19) VCF-style: chr9-136321671-T-C.
Other names: c.3722T>C, p.Met1241Thr (NM_139025.5); c.3461T>C, p.Met1154Thr (NM_139026.6); short protein forms M1241T, M1154T, M1185T.
Identifiers: ClinVar variation 385496 (VCV000385496.8), dbSNP rs1057522240, ClinGen allele CA16605568.